The following is an entry in ClinVar:

NM_170699.3(GPBAR1):c.238C>T (p.Arg80Trp)

Gene: GPBAR1 (G protein-coupled bile acid receptor 1; plus strand). Cytogenetic location: 2q35.
Variant type: single nucleotide variant.
Coding change: c.238C>T on transcript NM_170699.3 (MANE Select); coding-DNA position 238, C replaced by T.
Protein change: p.Arg80Trp; replaces arginine 80 with tryptophan.
Molecular consequence: missense variant.
Genome position (GRCh38, 1-based): chr2:218,262,962, C>T. VCF-style: chr2-218262962-C-T. GRCh37 (hg19) VCF-style: chr2-219127685-C-T.
Other names: c.238C>T, p.Arg80Trp (NM_001077191.2, NM_001077194.2, NM_001321950.2); c.238C>T (NM_001321950.1, NM_001077191.1); short protein forms R80W.
Identifiers: ClinVar variation 594017 (VCV000594017.7), dbSNP rs200126718, ClinGen allele CA2102542.

ClinVar aggregate classification (germline): Uncertain significance. Review status: criteria provided, multiple submitters, no conflicts (2 of 4 stars). 3 submissions from 3 submitters: Uncertain significance (3). Last evaluated 2025-04-18.

Conditions:
GPBAR1-related disorder. Also called: GPBAR1-related condition.

Allele frequency attached by ClinVar (database versions not stated): gnomAD exomes 0.00004 and 0.00005; ExAC 0.00008; gnomAD 0.00009 and 0.00010; TOPMed 0.00011; ESP Exome Variant Server 0.00016.
gnomAD v4.1: 93 of 1,613,796 alleles (0.0058%); highest among the groups gnomAD compares: African/African-American, 0.028%; no homozygotes.

Submissions (3):

Ambry Genetics
Classification: Uncertain significance. Last evaluated: 2025-04-18. Review status: criteria provided, single submitter. Criteria: Ambry Variant Classification Scheme 2023. Collection method: clinical testing. Allele origin: germline.

PreventionGenetics, part of Exact Sciences
Classification: Uncertain significance for GPBAR1-related condition. Last evaluated: 2025-02-27. Review status: criteria provided, single submitter. Criteria: ACMG Guidelines, 2015. Collection method: clinical testing. Allele origin: germline.
Comment: The GPBAR1 c.238C>T variant is predicted to result in the amino acid substitution p.Arg80Trp. To our knowledge, this variant has not been reported in the literature. This variant is reported in 0.029% of alleles in individuals of African descent in gnomAD. At this time, the clinical significance of this variant is uncertain due to the absence of conclusive functional and genetic evidence.

Eurofins Ntd Llc (ga)
Classification: Uncertain significance. Last evaluated: 2017-09-08. Review status: criteria provided, single submitter. Criteria: EGL Classification Definitions 2015. Collection method: clinical testing. Allele origin: germline. Observed: 1 variant allele, 1 heterozygote.